The following is an entry in ClinVar:

ClinVar aggregate classification (germline): Likely pathogenic (1 of 4 stars; one submission).

Conditions:
Polyglucosan body myopathy type 2. Identifiers: Orphanet 456369, MedGen C4015452, MONDO:0014526, OMIM 616199.
Glycogen storage disease XV (GSD15). Also called: GLYCOGENIN DEFICIENCY; GSD XV. Identifiers: Orphanet 263297, MedGen C3150754, MONDO:0013291, OMIM 613507.

Submission:

Labcorp Genetics (formerly Invitae), Labcorp
Classification: Likely pathogenic for Polyglucosan body myopathy type 2; Glycogen storage disease XV. Last evaluated: 2025-02-07. Review status: criteria provided, single submitter. Criteria: Invitae Variant Classification Sherloc (09022015). Collection method: clinical testing. Allele origin: germline.
Comment: This sequence change affects an acceptor splice site in intron 3 of the GYG1 gene. It is expected to disrupt RNA splicing. Variants that disrupt the donor or acceptor splice site typically lead to a loss of protein function (PMID: 16199547), and loss-of-function variants in GYG1 are known to be pathogenic (PMID: 20357282, 25272951). This variant is not present in population databases (gnomAD no frequency). This variant has not been reported in the literature in individuals affected with GYG1-related conditions. Algorithms developed to predict the effect of sequence changes on RNA splicing suggest that this variant may disrupt the consensus splice site. In summary, the currently available evidence indicates that the variant is pathogenic, but additional data are needed to prove that conclusively. Therefore, this variant has been classified as Likely Pathogenic.

Literature cited by the submitters: PubMed 16199547; PubMed 20357282; PubMed 25272951.

NM_004130.4(GYG1):c.319-2A>G

Gene: GYG1 (glycogenin 1; plus strand). Cytogenetic location: 3q24.
Variant type: single nucleotide variant.
Coding change: c.319-2A>G on transcript NM_004130.4 (MANE Select); the canonical splice acceptor site of the intron before coding-DNA position 319, A replaced by G.
Molecular consequence: splice acceptor variant.
Genome position (GRCh38, 1-based): chr3:148,996,740, A>G. VCF-style: chr3-148996740-A-G. GRCh37 (hg19) VCF-style: chr3-148714527-A-G.
Other names: c.319-2A>G (NM_001184720.2, NM_001184721.2).
Identifiers: ClinVar variation 4792175 (VCV004792175.1).